The following is an entry in ClinVar:

ClinVar aggregate classification (germline): Uncertain significance (1 of 4 stars; one submission).

Conditions:
Cardiovascular phenotype. Identifiers: MedGen CN230736.

Submission:

Ambry Genetics
Classification: Uncertain significance for Cardiovascular phenotype. Last evaluated: 2025-07-29. Review status: criteria provided, single submitter. Criteria: Ambry Variant Classification Scheme 2023. Collection method: clinical testing. Allele origin: germline.
Comment: The p.S1686R variant (also known as c.5056A>C), located in coding exon 2 of the ZNF469 gene, results from an A to C substitution at nucleotide position 5056. The serine at codon 1686 is replaced by arginine, an amino acid with dissimilar properties. This amino acid position is conserved. In addition, this alteration is predicted to be tolerated by in silico analysis. Based on the available evidence, the clinical significance of this variant remains unclear.

NM_001127464.1:c.5056A>C

Gene: ZNF469 (zinc finger protein 469; plus strand).
Variant type: single nucleotide variant.
Identifiers: ClinVar variation 4209186 (VCV004209186.1).